The following is an entry in ClinVar:

NM_004998.4(MYO1E):c.2995C>T (p.Arg999Trp)

Gene: MYO1E (myosin IE; minus strand). Cytogenetic location: 15q22.2.
Variant type: single nucleotide variant.
Coding change: c.2995C>T on transcript NM_004998.4 (MANE Select); coding-DNA position 2995, C replaced by T.
Protein change: p.Arg999Trp; replaces arginine 999 with tryptophan.
Molecular consequence: missense variant.
Genome position (GRCh38, 1-based): chr15:59,153,675, G>A on the plus strand (C>T on the coding strand, the complement: MYO1E is on the minus strand). VCF-style: chr15-59153675-G-A. GRCh37 (hg19) VCF-style: chr15-59445874-G-A.
Other names: c.2995C>T (NM_004998.2); short protein forms R999W.
Identifiers: ClinVar variation 1990349 (VCV001990349.6), dbSNP rs201083485, ClinGen allele CA7589059.
Genomic context (GRCh38, chr15:59,153,675, plus strand): 5'-TGAGGAAATCCAGGCTCTCTGGCGTCTGTGACACTCGGTCTGAACTGGTAGACTGCTGCC[G>A]AGGCAAGGGCGGGCGGGCCATGGAGGTGTACAGGCTTTTCTGATTGGACCTCTGGCTTCC-3'
Protein context (NP_004989.2, residues 989-1009): YTSMARPPLP[Arg999Trp]QQSTSSDRVS

ClinVar aggregate classification (germline): Uncertain significance. Review status: criteria provided, multiple submitters, no conflicts (2 of 4 stars). 3 submissions from 3 submitters: Uncertain significance (3). Last evaluated 2025-06-12.

Conditions:
Focal segmental glomerulosclerosis 6 (FSGS6). Identifiers: Orphanet 656, MedGen C3279905, MONDO:0013589, OMIM 614131.
Inborn genetic diseases. Identifiers: MedGen C0950123, MeSH D030342.

Allele frequency attached by ClinVar (database versions not stated): TOPMed 0.00006; ESP Exome Variant Server 0.00008; 1000 Genomes Project 30x 0.00016.

Submissions (3):

Labcorp Genetics (formerly Invitae), Labcorp
Classification: Uncertain significance. Last evaluated: 2025-06-12. Review status: criteria provided, single submitter. Criteria: Invitae Variant Classification Sherloc (09022015). Collection method: clinical testing. Allele origin: germline.
Comment: This sequence change replaces arginine, which is basic and polar, with tryptophan, which is neutral and slightly polar, at codon 999 of the MYO1E protein (p.Arg999Trp). This variant is present in population databases (rs201083485, gnomAD 0.02%). This variant has not been reported in the literature in individuals affected with MYO1E-related conditions. ClinVar contains an entry for this variant (Variation ID: 1990349). An algorithm developed to predict the effect of missense changes on protein structure and function (PolyPhen-2) suggests that this variant is likely to be disruptive. In summary, the available evidence is currently insufficient to determine the role of this variant in disease. Therefore, it has been classified as a Variant of Uncertain Significance.

Fulgent Genetics
Classification: Uncertain significance for Focal segmental glomerulosclerosis 6. Last evaluated: 2024-06-18. Review status: criteria provided, single submitter. Criteria: ACMG Guidelines, 2015. Collection method: clinical testing. Allele origin: germline.

Ambry Genetics
Classification: Uncertain significance for Inborn genetic diseases. Last evaluated: 2024-02-17. Review status: criteria provided, single submitter. Criteria: Ambry Variant Classification Scheme 2023. Collection method: clinical testing. Allele origin: germline.